The following is an entry in ClinVar:

ClinVar aggregate classification (germline): Uncertain significance (1 of 4 stars; one submission).

Allele frequency attached by ClinVar (database versions not stated): TOPMed 0.00001.
gnomAD v4.1: 3 of 1,614,182 alleles (0.00019%); highest among the groups gnomAD compares: African/African-American, 0.0027%; no homozygotes.

Submission:

Labcorp Genetics (formerly Invitae), Labcorp
Classification: Uncertain significance. Last evaluated: 2022-10-13. Review status: criteria provided, single submitter. Criteria: Invitae Variant Classification Sherloc (09022015). Collection method: clinical testing. Allele origin: germline.
Comment: This sequence change replaces serine with threonine at codon 73 of the UNC80 protein (p.Ser73Thr). The serine residue is moderately conserved and there is a small physicochemical difference between serine and threonine. This variant is not present in population databases (gnomAD no frequency). This variant has not been reported in the literature in individuals affected with UNC80-related conditions. ClinVar contains an entry for this variant (Variation ID: 1377584). Algorithms developed to predict the effect of missense changes on protein structure and function are either unavailable or do not agree on the potential impact of this missense change (SIFT: "Not Available"; PolyPhen-2: "Possibly Damaging"; Align-GVGD: "Not Available"). In summary, the available evidence is currently insufficient to determine the role of this variant in disease. Therefore, it has been classified as a Variant of Uncertain Significance.

NM_001371986.1(UNC80):c.217T>A (p.Ser73Thr)

Gene: UNC80 (unc-80 homolog, NALCN channel complex subunit; plus strand). Cytogenetic location: 2q34.
Variant type: single nucleotide variant.
Coding change: c.217T>A on transcript NM_001371986.1 (MANE Select); coding-DNA position 217, T replaced by A.
Protein change: p.Ser73Thr; replaces serine 73 with threonine.
Molecular consequence: missense variant.
Genome position (GRCh38, 1-based): chr2:209,775,964, T>A. VCF-style: chr2-209775964-T-A. GRCh37 (hg19) VCF-style: chr2-210640688-T-A.
Other names: c.217T>A, p.Ser73Thr (NM_032504.2, NM_182587.4); short protein forms S73T.
Identifiers: ClinVar variation 1377584 (VCV001377584.3), dbSNP rs1022019762, ClinGen allele CA64645075.